The following is an entry in ClinVar:

NM_020442.6(VARS2):c.2261G>A (p.Arg754His)

Genes: VARS2 (valyl-tRNA synthetase 2, mitochondrial; plus strand), LOC126859646 (MED14-independent group 3 enhancer GRCh37_chr6:30889690-30890889; plus strand). Cytogenetic location: 6p21.33.
Variant type: single nucleotide variant.
Coding change: c.2261G>A on transcript NM_020442.6 (MANE Select); coding-DNA position 2261, G replaced by A.
Protein change: p.Arg754His; replaces arginine 754 with histidine.
Molecular consequence: missense variant.
Genome position (GRCh38, 1-based): chr6:30,923,179, G>A. VCF-style: chr6-30923179-G-A. GRCh37 (hg19) VCF-style: chr6-30890956-G-A.
Other names: c.1841G>A, p.Arg614His (NM_001167733.3); c.2351G>A, p.Arg784His (NM_001167734.2); short protein forms R754H, R614H, R784H.
Identifiers: ClinVar variation 1988826 (VCV001988826.6), dbSNP rs1244836047, ClinGen allele CA363175210.

ClinVar aggregate classification (germline): Uncertain significance. Review status: criteria provided, multiple submitters, no conflicts (2 of 4 stars). 2 submissions from 2 submitters: Uncertain significance (2). Last evaluated 2025-02-26.

Conditions:
Inborn genetic diseases. Identifiers: MedGen C0950123, MeSH D030342.

gnomAD v4.1: 19 of 1,612,980 alleles (0.0012%); highest among the groups gnomAD compares: Middle Eastern, 0.016%; no homozygotes.

Submissions (2):

Ambry Genetics
Classification: Uncertain significance for Inborn genetic diseases. Last evaluated: 2025-02-26. Review status: criteria provided, single submitter. Criteria: Ambry Variant Classification Scheme 2023. Collection method: clinical testing. Allele origin: germline.

Labcorp Genetics (formerly Invitae), Labcorp
Classification: Uncertain significance. Last evaluated: 2022-06-19. Review status: criteria provided, single submitter. Criteria: Invitae Variant Classification Sherloc (09022015). Collection method: clinical testing. Allele origin: germline.
Comment: In summary, the available evidence is currently insufficient to determine the role of this variant in disease. Therefore, it has been classified as a Variant of Uncertain Significance. Algorithms developed to predict the effect of missense changes on protein structure and function are either unavailable or do not agree on the potential impact of this missense change (SIFT: "Deleterious"; PolyPhen-2: "Probably Damaging"; Align-GVGD: "Class C0"). This variant has not been reported in the literature in individuals affected with VARS2-related conditions. This variant is present in population databases (no rsID available, gnomAD 0.01%). This sequence change replaces arginine, which is basic and polar, with histidine, which is basic and polar, at codon 784 of the VARS2 protein (p.Arg784His).